The following is an entry in ClinVar:

NM_001042492.3(NF1):c.1845+1G>T

Gene: NF1 (neurofibromin 1; plus strand). Cytogenetic location: 17q11.2.
Variant type: single nucleotide variant.
Coding change: c.1845+1G>T on transcript NM_001042492.3 (MANE Select); the canonical splice donor site of the intron after coding-DNA position 1845, G replaced by T.
Molecular consequence: splice donor variant.
Genome position (GRCh38, 1-based): chr17:31,223,568, G>T. VCF-style: chr17-31223568-G-T. GRCh37 (hg19) VCF-style: chr17-29550586-G-T.
Other names: c.1845+1G>T (NM_000267.4).
Identifiers: ClinVar variation 1781219 (VCV001781219.9), dbSNP rs1567845945, ClinGen allele CA399004789.

ClinVar aggregate classification (germline): Pathogenic. Review status: criteria provided, multiple submitters, no conflicts (2 of 4 stars). 4 submissions from 4 submitters: Pathogenic (4). Last evaluated 2025-06-05.

Conditions:
Hereditary cancer-predisposing syndrome. Also called: Tumor predisposition; Neoplastic Syndromes, Hereditary; Hereditary Cancer Syndrome; Hereditary neoplastic syndrome. Identifiers: Orphanet 140162, MedGen C0027672, MeSH D009386, MONDO:0015356.
Cardiovascular phenotype. Identifiers: MedGen CN230736.
Neurofibromatosis, type 1 (NF1). Also called: VON RECKLINGHAUSEN DISEASE; NEUROFIBROMATOSIS, TYPE I, SOMATIC; Peripheral type neurofibromatosis; Neurofibromatosis, type I. Identifiers: Orphanet 636, MedGen C0027831, MONDO:0018975, OMIM 162200. Disease mechanism: loss of function.

Submissions (4):

NHS Central & South Genomic Laboratory Hub
Classification: Pathogenic for Neurofibromatosis type 1. Last evaluated: 2025-06-05. Review status: criteria provided, single submitter. Criteria: ACMG Guidelines, 2015. Collection method: clinical testing. Allele origin: germline. Affected: yes.

Labcorp Genetics (formerly Invitae), Labcorp
Classification: Pathogenic for Neurofibromatosis, type 1. Last evaluated: 2025-04-21. Review status: criteria provided, single submitter. Criteria: Invitae Variant Classification Sherloc (09022015). Collection method: clinical testing. Allele origin: germline.
Comment: This sequence change affects a donor splice site in intron 16 of the NF1 gene. RNA analysis indicates that disruption of this splice site induces altered splicing and may result in an absent or altered protein product. This variant is not present in population databases (gnomAD no frequency). Disruption of this splice site has been observed in individuals with neurofibromatosis type 1 (PMID: 9195229, 11292340). Invitae Evidence Modeling of clinical and family history, age, sex, and reported ancestry of multiple individuals with this NF1 variant has been performed. This variant is expected to be pathogenic with a positive predictive value of at least 99%. This is a validated machine learning model that incorporates the clinical features of 1,785,918 individuals referred to our laboratory for NF1 testing. ClinVar contains an entry for this variant (Variation ID: 1781219). Studies have shown that disruption of this splice site results in skipping of exon 16 or exons 15-16, and produces a non-functional protein and/or introduces a premature termination codon (PMID: 11292340; internal data). For these reasons, this variant has been classified as Pathogenic.

GeneDx
Classification: Pathogenic. Last evaluated: 2023-03-22. Review status: criteria provided, single submitter. Criteria: GeneDx Variant Classification Process June 2021. Collection method: clinical testing. Allele origin: germline. Affected: yes.
Comment: Canonical splice site variant predicted to result in a null allele in a gene for which loss of function is a known mechanism of disease; Not observed at significant frequency in large population cohorts (gnomAD); This variant is associated with the following publications: (PMID: 9195229, 25525159)

Ambry Genetics
Classification: Pathogenic for Cardiovascular phenotype; Hereditary cancer-predisposing syndrome. Last evaluated: 2022-01-31. Review status: criteria provided, single submitter. Criteria: Ambry Variant Classification Scheme 2023. Collection method: clinical testing. Allele origin: germline.
Comment: The c.1845+1G>T intronic pathogenic mutation results from a G to T substitution one nucleotide after coding exon 16 of the NF1 gene. This alteration was detected in an individual with neurofibromatosis type 1 (NF1) (Abernathy CR et al. Hum Mutat, 1997;9:548-54). In silico splice site analysis predicts that this alteration will weaken the native splice donor site. RNA studies have demonstrated that this alteration results in abnormal splicing in the set of samples tested (Abernathy CR et al. Hum Mutat, 1997;9:548-54; Ambry internal data). Three other alterations impacting the same donor site (c.1845G>A, c.1845G>T, and c.1845+2T>G) have been detected in individuals with a clinical diagnosis or suspicion of NF1 and/or shown to have a similar impact on splicing (Pros E et al. Hum Mutat, 2008 Sep;29:E173-93; Sabbagh A et al. Hum Mutat, 2013 Nov;34:1510-8; Bianchessi D et al. Mol Genet Genomic Med, 2015 Nov;3:513-25; Castellanos E et al. Clin Genet, 2020 02;97:264-275). In addition, c.1845+1G>T is considered to be rare based on population cohorts in the Genome Aggregation Database (gnomAD). Based on the supporting evidence, this alteration is interpreted as a disease-causing mutation.

Literature cited by the submitters: PubMed 9195229 (cited by Labcorp Genetics (formerly Invitae), Labcorp); PubMed 11292340 (cited by Labcorp Genetics (formerly Invitae), Labcorp).